The following is an entry in ClinVar:

ClinVar aggregate classification (germline): Likely benign. Review status: criteria provided, multiple submitters, no conflicts (2 of 4 stars). 2 submissions from 2 submitters: Likely benign (2). Last evaluated 2025-04-01.

Conditions:
Pitt-Hopkins syndrome (PTHS). Also called: ENCEPHALOPATHY, SEVERE EPILEPTIC, WITH AUTONOMIC DYSFUNCTION; MENTAL RETARDATION, SYNDROMAL, WITH INTERMITTENT HYPERVENTILATION. Identifiers: Orphanet 2896, MedGen C1970431, MONDO:0012589, OMIM 610954.

Allele frequency attached by ClinVar (database versions not stated): ExAC 0.00001; gnomAD exomes 0.00001; TOPMed 0.00001.
gnomAD v4.1: 5 of 1,613,378 alleles (0.00031%); highest among the groups gnomAD compares: Middle Eastern, 0.017%; no homozygotes.

Submissions (2):

Labcorp Genetics (formerly Invitae), Labcorp
Classification: Likely benign for Pitt-Hopkins syndrome. Last evaluated: 2025-04-01. Review status: criteria provided, single submitter. Criteria: Invitae Variant Classification Sherloc (09022015). Collection method: clinical testing. Allele origin: germline.

GeneDx
Classification: Likely benign. Last evaluated: 2017-09-25. Review status: criteria provided, single submitter. Criteria: GeneDx Variant Classification (06012015). Collection method: clinical testing. Allele origin: germline. Affected: yes.
Comment: This variant is considered likely benign or benign based on one or more of the following criteria: it is a conservative change, it occurs at a poorly conserved position in the protein, it is predicted to be benign by multiple in silico algorithms, and/or has population frequency not consistent with disease.

NM_001083962.2(TCF4):c.500-18A>G

Gene: TCF4 (transcription factor 4; minus strand). Cytogenetic location: 18q21.2.
Variant type: single nucleotide variant.
Coding change: c.500-18A>G on transcript NM_001083962.2 (MANE Select); 18 bases into the intron before coding-DNA position 500, A replaced by G.
Molecular consequence: intron variant.
Genome position (GRCh38, 1-based): chr18:55,350,426, T>C on the plus strand (A>G on the coding strand, the complement: TCF4 is on the minus strand). VCF-style: chr18-55350426-T-C. GRCh37 (hg19) VCF-style: chr18-53017657-T-C.
Other names: c.806-18A>G (NM_001243226.3); c.425-18A>G (NM_001369584.1, NM_001369576.1, NM_001369585.1 and 3 more transcripts); c.428-18A>G (NM_001369577.1, NM_001369582.1, NM_001243227.2 and 9 more transcripts); c.500-18A>G (NM_001369571.1, NM_001369567.1, NM_001243228.2 and 5 more transcripts); c.494-18A>G (NM_001243230.2); c.497-18A>G (NM_001369569.1, NM_001369573.1, NM_001369570.1); c.374-18A>G (NM_001243231.2, NM_001348211.2); c.110-18A>G (NM_001348212.2, NM_001348213.2, NM_001243233.2 and 1 more transcripts); and 1 more.
Identifiers: ClinVar variation 512359 (VCV000512359.8), dbSNP rs751585776, ClinGen allele CA8970496.
Genomic context (GRCh38, chr18:55,350,426, plus strand): 5'-GGCAAACCTGGAGGAACTTTTCGAACTTTCTTTGTCTGTACCTCTGAAAGAAAATGAAGA[T>C]GCTTTCAGCTCCCAAATGCCCATTTTCCTAACTAAGATAGGTTAAACCACAAAGACTTCT-3'